The following is an entry in ClinVar:

ClinVar aggregate classification (germline): Uncertain significance (1 of 4 stars; one submission).

Allele frequency attached by ClinVar (database versions not stated): gnomAD 0.00001 and 0.00002; gnomAD exomes 0.00002 and 0.00010; TOPMed 0.00003; ExAC 0.00007; 1000 Genomes Project 30x 0.00016; 1000 Genomes Project 0.00020.
gnomAD v4.1: 57 of 1,613,220 alleles (0.0035%); highest among the groups gnomAD compares: East Asian, 0.078%; no homozygotes.

Submission:

Labcorp Genetics (formerly Invitae), Labcorp
Classification: Uncertain significance. Last evaluated: 2021-09-17. Review status: criteria provided, single submitter. Criteria: Invitae Variant Classification Sherloc (09022015). Collection method: clinical testing. Allele origin: germline.
Comment: This sequence change replaces alanine with threonine at codon 64 of the MEOX1 protein (p.Ala64Thr). The alanine residue is highly conserved and there is a small physicochemical difference between alanine and threonine. This variant is present in population databases (rs373680176, ExAC 0.1%). This variant has not been reported in the literature in individuals affected with MEOX1-related conditions. Algorithms developed to predict the effect of missense changes on protein structure and function output the following: SIFT: "Tolerated"; PolyPhen-2: "Benign"; Align-GVGD: "Class C0". The threonine amino acid residue is found in multiple mammalian species, which suggests that this missense change does not adversely affect protein function. In summary, the available evidence is currently insufficient to determine the role of this variant in disease. Therefore, it has been classified as a Variant of Uncertain Significance.

NM_004527.4(MEOX1):c.190G>A (p.Ala64Thr)

Gene: MEOX1 (mesenchyme homeobox 1; minus strand). Cytogenetic location: 17q21.31.
Variant type: single nucleotide variant.
Coding change: c.190G>A on transcript NM_004527.4 (MANE Select); coding-DNA position 190, G replaced by A.
Protein change: p.Ala64Thr; replaces alanine 64 with threonine.
Molecular consequence: missense variant. On other transcripts: 5 prime UTR variant (1).
Genome position (GRCh38, 1-based): chr17:43,661,345, C>T on the plus strand (G>A on the coding strand, the complement: MEOX1 is on the minus strand). VCF-style: chr17-43661345-C-T. GRCh37 (hg19) VCF-style: chr17-41738713-C-T.
Other names: c.-156G>A (NM_001040002.2); c.190G>A, p.Ala64Thr (NM_013999.4); short protein forms A64T.
Identifiers: ClinVar variation 1436267 (VCV001436267.5), dbSNP rs373680176, ClinGen allele CA8592682.
Genomic context (GRCh38, chr17:43,661,345, plus strand): 5'-GCTCAGTGAAGATGTGCTCCTCCTGGGGCAGGCTGTGTGGGGTGGCTGCCAGGCAGGAGG[C>T]TGAGAAGTCAGGGTACGCTGCCGTCGCTGTCGCCAGGAAGTCTGGTTTCTGGTGGAAGGA-3'
Protein context (NP_004518.1, residues 54-74): TATAAYPDFS[Ala64Thr]SCLAATPHSL